The following is an entry in ClinVar:

NM_014003.4(DHX38):c.491A>G (p.Tyr164Cys)

Gene: DHX38 (DEAH-box helicase 38; plus strand). Cytogenetic location: 16q22.2.
Variant type: single nucleotide variant.
Coding change: c.491A>G on transcript NM_014003.4 (MANE Select); coding-DNA position 491, A replaced by G.
Protein change: p.Tyr164Cys; replaces tyrosine 164 with cysteine.
Molecular consequence: missense variant.
Genome position (GRCh38, 1-based): chr16:72,096,989, A>G. VCF-style: chr16-72096989-A-G. GRCh37 (hg19) VCF-style: chr16-72130888-A-G.
Other names: short protein forms Y164C.
Identifiers: ClinVar variation 1928517 (VCV001928517.2), dbSNP rs764963782, ClinGen allele CA8159980.

ClinVar aggregate classification (germline): Uncertain significance (1 of 4 stars; one submission).

Allele frequency attached by ClinVar (database versions not stated): gnomAD 0.00001; ExAC 0.00002; gnomAD exomes 0.00002.
gnomAD v4.1: 28 of 1,613,850 alleles (0.0017%); highest among the groups gnomAD compares: Non-Finnish European, 0.0023%; no homozygotes.

Submission:

Labcorp Genetics (formerly Invitae), Labcorp
Classification: Uncertain significance. Last evaluated: 2022-03-23. Review status: criteria provided, single submitter. Criteria: Invitae Variant Classification Sherloc (09022015). Collection method: clinical testing. Allele origin: germline.
Comment: This sequence change replaces tyrosine, which is neutral and polar, with cysteine, which is neutral and slightly polar, at codon 164 of the DHX38 protein (p.Tyr164Cys). This variant is present in population databases (rs764963782, gnomAD 0.004%). This variant has not been reported in the literature in individuals affected with DHX38-related conditions. Algorithms developed to predict the effect of missense changes on protein structure and function output the following: SIFT: "Tolerated"; PolyPhen-2: "Benign"; Align-GVGD: "Class C0". The cysteine amino acid residue is found in multiple mammalian species, which suggests that this missense change does not adversely affect protein function. In summary, the available evidence is currently insufficient to determine the role of this variant in disease. Therefore, it has been classified as a Variant of Uncertain Significance.